The following is an entry in ClinVar:

NM_000059.4(BRCA2):c.5897A>C (p.His1966Pro)

Gene: BRCA2 (BRCA2 DNA repair associated; plus strand). Cytogenetic location: 13q13.1.
Variant type: single nucleotide variant.
Coding change: c.5897A>C on transcript NM_000059.4 (MANE Select); coding-DNA position 5897, A replaced by C.
Protein change: p.His1966Pro; replaces histidine 1966 with proline.
Molecular consequence: missense variant. On other transcripts: non-coding transcript variant (1), intron variant (2).
Genome position (GRCh38, 1-based): chr13:32,340,252, A>C. VCF-style: chr13-32340252-A-C. GRCh37 (hg19) VCF-style: chr13-32914389-A-C.
Other names: c.5897A>C, p.His1966Pro (NM_001406719.1, NM_001406720.1); c.1910-4306A>C (NM_001406721.1); c.425-4306A>C (NM_001406722.1); short protein forms H1966P.
Identifiers: ClinVar variation 2681831 (VCV002681831.3), dbSNP rs80358823, ClinGen allele CA387787488.
Genomic context (GRCh38, chr13:32,340,252, plus strand): 5'-CACCTTGTGATGTTAGTTTGGAAACTTCAGATATATGTAAATGTAGTATAGGGAAGCTTC[A>C]TAAGTCAGTCTCATCTGCAAATACTTGTGGGATTTTTAGCACAGCAAGTGGAAAATCTGT-3'
Protein context (NP_000050.3, residues 1956-1976): DICKCSIGKL[His1966Pro]KSVSSANTCG

ClinVar aggregate classification (germline): Uncertain significance. Review status: criteria provided, multiple submitters, no conflicts (2 of 4 stars). 2 submissions from 2 submitters: Uncertain significance (2). Last evaluated 2025-01-28.

Conditions:
Hereditary breast ovarian cancer syndrome. Also called: Hereditary breast and ovarian cancer syndrome; Hereditary breast and ovarian cancer syndrome (HBOC); BRCA1- and BRCA2-Associated Hereditary Breast and Ovarian Cancer; Hereditary breast and ovarian cancer; Breast and ovarian cancer; Hereditary breast and/or ovarian cancer syndrome. Identifiers: Orphanet 145, MedGen C0677776, MeSH D061325, MONDO:0003582. Disease mechanism: loss of function.

Submissions (2):

Labcorp Genetics (formerly Invitae), Labcorp
Classification: Uncertain significance for Hereditary breast ovarian cancer syndrome. Last evaluated: 2025-01-28. Review status: criteria provided, single submitter. Criteria: Invitae Variant Classification Sherloc (09022015). Collection method: clinical testing. Allele origin: germline.
Comment: This sequence change replaces histidine, which is basic and polar, with proline, which is neutral and non-polar, at codon 1966 of the BRCA2 protein (p.His1966Pro). This variant is not present in population databases (gnomAD no frequency). This variant has not been reported in the literature in individuals affected with BRCA2-related conditions. ClinVar contains an entry for this variant (Variation ID: 2681831). Invitae Evidence Modeling of protein sequence and biophysical properties (such as structural, functional, and spatial information, amino acid conservation, physicochemical variation, residue mobility, and thermodynamic stability) indicates that this missense variant is not expected to disrupt BRCA2 protein function with a negative predictive value of 95%. In summary, the available evidence is currently insufficient to determine the role of this variant in disease. Therefore, it has been classified as a Variant of Uncertain Significance.

Quest Diagnostics Nichols Institute San Juan Capistrano
Classification: Uncertain significance. Last evaluated: 2023-01-17. Review status: criteria provided, single submitter. Criteria: Quest Diagnostics criteria. Collection method: clinical testing. Allele origin: unknown.
Comment: This variant has not been reported in the published literature. It also has not been reported in large, multi-ethnic general populations. Analysis of this variant using bioinformatics tools for the prediction of the effect of amino acid changes on protein structure and function yielded predictions that this variant is benign. Based on the available information, we are unable to determine the clinical significance of this variant.